The following is an entry in ClinVar:

ClinVar aggregate classification (germline): Likely benign. Review status: criteria provided, single submitter (1 of 4 stars). 2 submissions from 2 submitters: Likely benign (1). 1 of the submissions does not count toward it. Last evaluated 2025-06-12.

Conditions:
Bardet-Biedl syndrome (BBS). Identifiers: Orphanet 110, MedGen C0752166, MONDO:0015229.
BBS7-related disorder. Also called: BBS7-related condition.

Allele frequency attached by ClinVar (database versions not stated): gnomAD exomes 0.00001; ExAC 0.00002; TOPMed 0.00002; gnomAD 0.00003; ESP Exome Variant Server 0.00008.
gnomAD v4.1: 16 of 1,613,252 alleles (0.00099%); highest among the groups gnomAD compares: East Asian, 0.0067%; no homozygotes.

Submissions (2):

Labcorp Genetics (formerly Invitae), Labcorp
Classification: Likely benign for Bardet-Biedl syndrome. Last evaluated: 2025-06-12. Review status: criteria provided, single submitter. Criteria: Invitae Variant Classification Sherloc (09022015). Collection method: clinical testing. Allele origin: germline.

PreventionGenetics, part of Exact Sciences
Classification: Likely benign for BBS7-related condition. Last evaluated: 2023-01-26. Review status: no assertion criteria provided. Collection method: clinical testing. Allele origin: germline. Not counted in ClinVar's aggregate classification.
Comment: This variant is classified as likely benign based on ACMG/AMP sequence variant interpretation guidelines (Richards et al. 2015 PMID: 25741868, with internal and published modifications).

NM_176824.3(BBS7):c.789C>T (p.Asp263=)

Gene: BBS7 (Bardet-Biedl syndrome 7; minus strand). Cytogenetic location: 4q27.
Variant type: single nucleotide variant.
Coding change: c.789C>T on transcript NM_176824.3 (MANE Select); coding-DNA position 789, C replaced by T.
Protein change: p.Asp263=; no amino-acid change (aspartic acid 263 retained).
Molecular consequence: synonymous variant.
Genome position (GRCh38, 1-based): chr4:121,853,016, G>A on the plus strand (C>T on the coding strand, the complement: BBS7 is on the minus strand). VCF-style: chr4-121853016-G-A. GRCh37 (hg19) VCF-style: chr4-122774171-G-A.
Other names: c.789C>T (NM_176824.2); c.789C>T, p.Asp263= (NM_018190.4).
Identifiers: ClinVar variation 1150077 (VCV001150077.9), dbSNP rs140478463, ClinGen allele CA3064408.